The following is an entry in ClinVar:

ClinVar aggregate classification (germline): Pathogenic (1 of 4 stars; one submission).

Submission:

Labcorp Genetics (formerly Invitae), Labcorp
Classification: Pathogenic. Last evaluated: 2025-08-09. Review status: criteria provided, single submitter. Criteria: Invitae Variant Classification Sherloc (09022015). Collection method: clinical testing. Allele origin: germline.
Comment: This sequence change creates a premature translational stop signal (p.Gln920*) in the IARS2 gene. It is expected to result in an absent or disrupted protein product. Loss-of-function variants in IARS2 are known to be pathogenic (PMID: 33327715). This variant is not present in population databases (gnomAD no frequency). This variant has not been reported in the literature in individuals affected with IARS2-related conditions. For these reasons, this variant has been classified as Pathogenic.

Literature cited by the submitters: PubMed 33327715.

NM_018060.4(IARS2):c.2758C>T (p.Gln920Ter)

Gene: IARS2 (isoleucyl-tRNA synthetase 2, mitochondrial; plus strand). Cytogenetic location: 1q41.
Variant type: single nucleotide variant.
Coding change: c.2758C>T on transcript NM_018060.4 (MANE Select); coding-DNA position 2758, C replaced by T.
Protein change: p.Gln920Ter; replaces glutamine 920 with a stop codon.
Molecular consequence: nonsense.
Genome position (GRCh38, 1-based): chr1:220,145,515, C>T. VCF-style: chr1-220145515-C-T. GRCh37 (hg19) VCF-style: chr1-220318857-C-T.
Other names: short protein forms Q920*.
Identifiers: ClinVar variation 4778519 (VCV004778519.1).